The following is an entry in ClinVar:

ClinVar aggregate classification (germline): Uncertain significance (1 of 4 stars; one submission).

Conditions:
Neurofibromatosis, type 1 (NF1). Also called: NEUROFIBROMATOSIS, TYPE I, SOMATIC; Peripheral type neurofibromatosis; VON RECKLINGHAUSEN DISEASE; Neurofibromatosis, type I. Identifiers: Orphanet 636, MedGen C0027831, MONDO:0018975, OMIM 162200. Disease mechanism: loss of function.

Allele frequency attached by ClinVar (database versions not stated): gnomAD exomes below 0.00001 and 0.00001; ExAC 0.00002.
gnomAD v4.1: 4 of 1,614,156 alleles (0.00025%); highest among the groups gnomAD compares: Non-Finnish European, 0.00017%; no homozygotes.

Submission:

Labcorp Genetics (formerly Invitae), Labcorp
Classification: Uncertain significance for Neurofibromatosis, type 1. Last evaluated: 2025-05-28. Review status: criteria provided, single submitter. Criteria: Invitae Variant Classification Sherloc (09022015). Collection method: clinical testing. Allele origin: germline.
Comment: This sequence change replaces isoleucine, which is neutral and non-polar, with threonine, which is neutral and polar, at codon 2725 of the NF1 protein (p.Ile2725Thr). This variant is present in population databases (rs756800001, gnomAD 0.002%). This variant has not been reported in the literature in individuals affected with NF1-related conditions. ClinVar contains an entry for this variant (Variation ID: 1006086). Invitae Evidence Modeling of protein sequence and biophysical properties (such as structural, functional, and spatial information, amino acid conservation, physicochemical variation, residue mobility, and thermodynamic stability) indicates that this missense variant is not expected to disrupt NF1 protein function with a negative predictive value of 95%. In summary, the available evidence is currently insufficient to determine the role of this variant in disease. Therefore, it has been classified as a Variant of Uncertain Significance.

NM_001042492.3(NF1):c.8237T>C (p.Ile2746Thr)

Gene: NF1 (neurofibromin 1; plus strand). Cytogenetic location: 17q11.2.
Variant type: single nucleotide variant.
Coding change: c.8237T>C on transcript NM_001042492.3 (MANE Select); coding-DNA position 8237, T replaced by C.
Protein change: p.Ile2746Thr; replaces isoleucine 2746 with threonine.
Molecular consequence: missense variant.
Genome position (GRCh38, 1-based): chr17:31,360,563, T>C. VCF-style: chr17-31360563-T-C. GRCh37 (hg19) VCF-style: chr17-29687581-T-C.
Other names: c.8174T>C, p.Ile2725Thr (NM_000267.4); short protein forms I2725T, I2746T.
Identifiers: ClinVar variation 1006086 (VCV001006086.5), dbSNP rs756800001, ClinGen allele CA8487779.